The following is an entry in ClinVar:

ClinVar aggregate classification (germline): Pathogenic (1 of 4 stars; one submission).

Submission:

GeneDx
Classification: Pathogenic. Last evaluated: 2025-01-16. Review status: criteria provided, single submitter. Criteria: GeneDx Variant Classification Process June 2021. Collection method: clinical testing. Allele origin: germline. Affected: yes.
Comment: Identified in patients with SPAST-related spastic paraplegia referred for genetic testing at GeneDx and in published literature (PMID: 10699187); Canonical splice site variant predicted to result in a null allele in a gene for which loss of function is a known mechanism of disease; Not observed at significant frequency in large population cohorts (gnomAD); This variant is associated with the following publications: (PMID: 25525159, 19453301, 10699187)

NM_014946.4(SPAST):c.1098+1G>T

Gene: SPAST (spastin; plus strand). Cytogenetic location: 2p22.3.
Variant type: single nucleotide variant.
Coding change: c.1098+1G>T on transcript NM_014946.4 (MANE Select); the canonical splice donor site of the intron after coding-DNA position 1098, G replaced by T.
Molecular consequence: splice donor variant.
Genome position (GRCh38, 1-based): chr2:32,116,213, G>T. VCF-style: chr2-32116213-G-T. GRCh37 (hg19) VCF-style: chr2-32341282-G-T.
Other names: c.1002+1G>T (NM_199436.2, NM_001377959.1); c.1095+1G>T (NM_001363823.2); c.999+1G>T (NM_001363875.2).
Identifiers: ClinVar variation 4070582 (VCV004070582.1).